The following is an entry in ClinVar:

ClinVar aggregate classification (germline): Pathogenic/Likely pathogenic. Review status: criteria provided, multiple submitters, no conflicts (2 of 4 stars). 8 submissions from 8 submitters: Pathogenic (6); Likely pathogenic (1). 1 of the submissions does not count toward it. Last evaluated 2025-09-15.

Conditions:
Fanconi anemia complementation group D2. Also called: FANCD2-Related Fanconi Anemia; FANCONI PANCYTOPENIA, TYPE 4; FANCONI ANEMIA, COMPLEMENTATION GROUP D. Identifiers: Orphanet 84, MedGen C3160738, MONDO:0009214, OMIM 227646.
FANCD2-related disorders.
Fanconi anemia (FA). Also called: Fanconi's anemia. Identifiers: Orphanet 84, MedGen C0015625, MeSH D005199, MONDO:0019391.

Allele frequency attached by ClinVar (database versions not stated): gnomAD 0.00001 and 0.00002; gnomAD exomes 0.00001; TOPMed 0.00001; ESP Exome Variant Server 0.00008.

Submissions (8):

Labcorp Genetics (formerly Invitae), Labcorp
Classification: Pathogenic for Fanconi anemia. Last evaluated: 2025-09-15. Review status: criteria provided, single submitter. Criteria: Invitae Variant Classification Sherloc (09022015). Collection method: clinical testing. Allele origin: germline.
Comment: This sequence change creates a premature translational stop signal (p.Arg253*) in the FANCD2 gene. It is expected to result in an absent or disrupted protein product. Loss-of-function variants in FANCD2 are known to be pathogenic (PMID: 17436244). This variant is present in population databases (rs374328858, gnomAD 0.004%). This premature translational stop signal has been observed in individual(s) with Fanconi anemia (PMID: 17436244). It has also been observed to segregate with disease in related individuals. ClinVar contains an entry for this variant (Variation ID: 653154). Algorithms developed to predict the effect of sequence changes on RNA splicing suggest that this variant may disrupt the consensus splice site. For these reasons, this variant has been classified as Pathogenic.

CeGaT Center for Human Genetics Tuebingen
Classification: Pathogenic. Last evaluated: 2024-11-01. Review status: criteria provided, single submitter. Criteria: CeGaT Center For Human Genetics Tuebingen Variant Classification Criteria Version 2. Collection method: clinical testing. Allele origin: germline. Affected: yes. Observed: 2 variant alleles.
Comment: FANCD2: PVS1, PM2, PM3, PS4:Supporting

Fulgent Genetics
Classification: Pathogenic for Fanconi anemia complementation group D2. Last evaluated: 2024-02-24. Review status: criteria provided, single submitter. Criteria: ACMG Guidelines, 2015. Collection method: clinical testing. Allele origin: germline.

Baylor Genetics
Classification: Pathogenic for Fanconi anemia complementation group D2. Last evaluated: 2024-02-19. Review status: criteria provided, single submitter. Criteria: ACMG Guidelines, 2015. Collection method: clinical testing. Allele origin: unknown.

Genetics and Molecular Pathology, SA Pathology
Classification: Pathogenic for Fanconi anemia complementation group D2. Last evaluated: 2023-02-24. Review status: criteria provided, single submitter. Criteria: ACMG Guidelines, 2015. Collection method: clinical testing. Allele origin: germline. Inheritance: Autosomal recessive inheritance. Affected: yes.
Comment: The FANCD2 c.757C>T variant is classified as Pathogenic (PVS1, PS4_supporting, PM2) The FANCD2 c.757C>T variant is a single nucleotide change which is predicted to result in premature termination of the protein product at codon 253 (PVS1). The variant has been reported in 3 probands with a clinical presentation of Fanconi anaemia and pancreatic ductal adenocarcinoma (HGMD: CM071747) (PMID:17436244, PMID:30716324) (PS4_Supporting). The variant is rare in population databases (gnomAD allele frequency = 0.0019%; 3 het and 0 hom in 152070 sequenced alleles; highest frequency = 0.020%, South Asian population) (PM2). The variant has been reported in dbSNP (rs374328858) and in the HGMD database: CM071747. It has been reported as Pathogenic by other diagnostic laboratories (ClinVar Variation ID: 653154).

Blueprint Genetics
Classification: Likely pathogenic for FANCD2-related disorders. Last evaluated: 2022-04-06. Review status: criteria provided, single submitter. Criteria: ACMG Guidelines, 2015. Collection method: clinical testing. Allele origin: germline. Affected: yes. Observed: 2 variant alleles.

Juno Genomics, Hangzhou Juno Genomics, Inc
Classification: Pathogenic for Fanconi anemia complementation group D2. Review status: criteria provided, single submitter. Criteria: ACMG Guidelines, 2015. Collection method: clinical testing. Allele origin: germline. Affected: yes.
Comment: Absent from controls (or at extremely low frequency if recessive) in Genome Aggregation Database, Exome Sequencing Project, 1000 Genomes Project, or Exome Aggregation Consortium.;Null variant in a gene where loss of function (LOF) is a known mechanism of disease.;For recessive disorders, detected in trans with a pathogenic variant.

Leiden Open Variation Database
Classification: Pathogenic for Fanconi anemia complementation group D2. Last evaluated: 2020-02-28. Review status: no assertion criteria provided. Collection method: curation. Allele origin: germline. Affected: yes. Not counted in ClinVar's aggregate classification.
Comment: Curator: Arleen D. Auerbach. Submitter to LOVD: Arleen D. Auerbach.

Literature cited by the submitters: PubMed 17436244 (cited by 3 submitters); PubMed 30716324 (cited by Genetics and Molecular Pathology, SA Pathology).

NM_001018115.3(FANCD2):c.757C>T (p.Arg253Ter)

Genes: FANCD2 (FA complementation group D2; plus strand), LOC107303338 (3p25 FANCD2 Alu-mediated recombination region; plus strand). Cytogenetic location: 3p25.3.
Variant type: single nucleotide variant.
Coding change: c.757C>T on transcript NM_001018115.3 (MANE Select); coding-DNA position 757, C replaced by T.
Protein change: p.Arg253Ter; replaces arginine 253 with a stop codon.
Molecular consequence: nonsense.
Genome position (GRCh38, 1-based): chr3:10,041,684, C>T. VCF-style: chr3-10041684-C-T. GRCh37 (hg19) VCF-style: chr3-10083368-C-T.
Other names: c.757C>T (NM_033084.4); c.757C>T, p.Arg253Ter (NM_001319984.2, NM_001374253.1, NM_001374254.1 and 1 more transcripts); short protein forms R253*.
Identifiers: ClinVar variation 653154 (VCV000653154.49), dbSNP rs374328858, ClinGen allele CA70026056.